The following is an entry in ClinVar:

NM_032242.4(PLXNA1):c.184G>A (p.Glu62Lys)

Gene: PLXNA1 (plexin A1; plus strand). Cytogenetic location: 3q21.3.
Variant type: single nucleotide variant.
Coding change: c.184G>A on transcript NM_032242.4 (MANE Select); coding-DNA position 184, G replaced by A.
Protein change: p.Glu62Lys; replaces glutamic acid 62 with lysine.
Molecular consequence: missense variant.
Genome position (GRCh38, 1-based): chr3:126,988,777, G>A. VCF-style: chr3-126988777-G-A. GRCh37 (hg19) VCF-style: chr3-126707620-G-A.
Other names: short protein forms E62K.
Identifiers: ClinVar variation 2635004 (VCV002635004.2), dbSNP rs1196769968, ClinGen allele CA354370131.

ClinVar aggregate classification (germline): Uncertain significance (1 of 4 stars; one submission).

Conditions:
PLXNA1-related disorder. Also called: PLXNA1-related condition.

Allele frequency attached by ClinVar (database versions not stated): gnomAD 0.00001; TOPMed 0.00001; gnomAD exomes 0.00002.
gnomAD v4.1: 25 of 1,607,488 alleles (0.0016%); highest among the groups gnomAD compares: Admixed American, 0.0084%; no homozygotes.

Submission:

PreventionGenetics, part of Exact Sciences
Classification: Uncertain significance for PLXNA1-related condition. Last evaluated: 2026-08-06. Review status: criteria provided, single submitter. Criteria: ACMG Guidelines, 2015. Collection method: clinical testing. Allele origin: germline.
Comment: The PLXNA1 c.184G>A variant is predicted to result in the amino acid substitution p.Glu62Lys. To our knowledge, this variant has not been reported in the literature. This variant is reported in 0.0058% of alleles in individuals of Latino descent in gnomAD. At this time, the clinical significance of this variant is uncertain due to the absence of conclusive functional and genetic evidence.